The following is an entry in ClinVar:

NM_000216.4(ANOS1):c.469T>C (p.Cys157Arg)

Gene: ANOS1 (anosmin 1; minus strand). Cytogenetic location: Xp22.31.
Variant type: single nucleotide variant.
Coding change: c.469T>C on transcript NM_000216.4 (MANE Select); coding-DNA position 469, T replaced by C.
Protein change: p.Cys157Arg; replaces cysteine 157 with arginine.
Molecular consequence: missense variant.
Genome position (GRCh38, 1-based): chrX:8,597,106, A>G on the plus strand (T>C on the coding strand, the complement: ANOS1 is on the minus strand). VCF-style: chrX-8597106-A-G. GRCh37 (hg19) VCF-style: chrX-8565147-A-G.
Other names: short protein forms C157R.
Identifiers: ClinVar variation 1707829 (VCV001707829.2), dbSNP rs2518500198, ClinGen allele CA412024997.

ClinVar aggregate classification (germline): Uncertain significance (1 of 4 stars; one submission).

Submission:

GeneDx
Classification: Uncertain significance. Last evaluated: 2022-09-27. Review status: criteria provided, single submitter. Criteria: GeneDx Variant Classification Process June 2021. Collection method: clinical testing. Allele origin: germline. Affected: yes.
Comment: Not observed in large population cohorts (gnomAD); In silico analysis supports that this missense variant has a deleterious effect on protein structure/function; This variant is associated with the following publications: (PMID: 36039580)